The following is an entry in ClinVar:

NM_002439.5(MSH3):c.2833A>T (p.Ile945Leu)

Gene: MSH3 (mutS homolog 3; plus strand). Cytogenetic location: 5q14.1.
Variant type: single nucleotide variant.
Coding change: c.2833A>T on transcript NM_002439.5 (MANE Select); coding-DNA position 2833, A replaced by T.
Protein change: p.Ile945Leu; replaces isoleucine 945 with leucine.
Molecular consequence: missense variant.
Genome position (GRCh38, 1-based): chr5:80,854,149, A>T. VCF-style: chr5-80854149-A-T. GRCh37 (hg19) VCF-style: chr5-80149968-A-T.
Other names: short protein forms I945L.
Identifiers: ClinVar variation 963220 (VCV000963220.11), dbSNP rs1486734790, ClinGen allele CA360275494.

ClinVar aggregate classification (germline): Uncertain significance. Review status: criteria provided, multiple submitters, no conflicts (2 of 4 stars). 4 submissions from 4 submitters: Uncertain significance (4). Last evaluated 2025-02-19.

Conditions:
Hereditary cancer-predisposing syndrome. Also called: Tumor predisposition; Hereditary neoplastic syndrome; Hereditary Cancer Syndrome; Neoplastic Syndromes, Hereditary. Identifiers: Orphanet 140162, MedGen C0027672, MeSH D009386, MONDO:0015356.
Endometrial carcinoma. Also called: Endometrial carcinoma, somatic. Identifiers: MedGen C0476089, MONDO:0002447, OMIM 608089, HP:0012114.

Allele frequency attached by ClinVar (database versions not stated): TOPMed 0.00001.
gnomAD v4.1: 8 of 1,613,558 alleles (0.0005%); highest among the groups gnomAD compares: East Asian, 0.016%; no homozygotes.

Submissions (4):

Labcorp Genetics (formerly Invitae), Labcorp
Classification: Uncertain significance. Last evaluated: 2025-02-19. Review status: criteria provided, single submitter. Criteria: Invitae Variant Classification Sherloc (09022015). Collection method: clinical testing. Allele origin: germline.
Comment: This sequence change replaces isoleucine, which is neutral and non-polar, with leucine, which is neutral and non-polar, at codon 945 of the MSH3 protein (p.Ile945Leu). This variant is not present in population databases (gnomAD no frequency). This variant has not been reported in the literature in individuals affected with MSH3-related conditions. ClinVar contains an entry for this variant (Variation ID: 963220). An algorithm developed to predict the effect of missense changes on protein structure and function (PolyPhen-2) suggests that this variant is likely to be disruptive. In summary, the available evidence is currently insufficient to determine the role of this variant in disease. Therefore, it has been classified as a Variant of Uncertain Significance.

Ambry Genetics
Classification: Uncertain significance for Hereditary cancer-predisposing syndrome. Last evaluated: 2024-12-19. Review status: criteria provided, single submitter. Criteria: Ambry Variant Classification Scheme 2023. Collection method: clinical testing. Allele origin: germline.
Comment: The p.I945L variant (also known as c.2833A>T), located in coding exon 21 of the MSH3 gene, results from an A to T substitution at nucleotide position 2833. The isoleucine at codon 945 is replaced by leucine, an amino acid with highly similar properties. This amino acid position is highly conserved in available vertebrate species. In addition, the in silico prediction for this alteration is inconclusive. Based on the available evidence, the clinical significance of this variant remains unclear.

Baylor Genetics
Classification: Uncertain significance for Endometrial carcinoma. Last evaluated: 2023-12-28. Review status: criteria provided, single submitter. Criteria: ACMG Guidelines, 2015. Collection method: clinical testing. Allele origin: unknown.

Quest Diagnostics Nichols Institute San Juan Capistrano
Classification: Uncertain significance. Last evaluated: 2023-05-09. Review status: criteria provided, single submitter. Criteria: Quest Diagnostics criteria. Collection method: clinical testing. Allele origin: unknown.
Comment: The variant has not been reported in the published literature. The frequency of this variant in the general population, 0.000013 (2/152200 chromosomes), is uninformative in assessment of its pathogenicity. Analysis of this variant using bioinformatics tools for the prediction of the effect of amino acid changes on protein structure and function yielded predictions that this variant is damaging. Based on the available information, we are unable to determine the clinical significance of this variant.